The following is an entry in ClinVar:

ClinVar aggregate classification (germline): Uncertain significance (1 of 4 stars; one submission).

Conditions:
Inborn genetic diseases. Identifiers: MedGen C0950123, MeSH D030342.

Submission:

Ambry Genetics
Classification: Uncertain significance for Inborn genetic diseases. Last evaluated: 2025-05-31. Review status: criteria provided, single submitter. Criteria: Ambry Variant Classification Scheme 2023. Collection method: clinical testing. Allele origin: germline.
Comment: The p.L404S variant (also known as c.1211T>C), located in coding exon 10 of the CEP57 gene, results from a T to C substitution at nucleotide position 1211. The leucine at codon 404 is replaced by serine, an amino acid with dissimilar properties. This amino acid position is conserved. In addition, this alteration is predicted to be deleterious by in silico analysis. Based on the available evidence, the clinical significance of this variant remains unclear.

NM_014679.5(CEP57):c.1211T>C (p.Leu404Ser)

Gene: CEP57 (centrosomal protein 57; plus strand). Cytogenetic location: 11q21.
Variant type: single nucleotide variant.
Coding change: c.1211T>C on transcript NM_014679.5 (MANE Select); coding-DNA position 1211, T replaced by C.
Protein change: p.Leu404Ser; replaces leucine 404 with serine.
Molecular consequence: missense variant.
Genome position (GRCh38, 1-based): chr11:95,829,270, T>C. VCF-style: chr11-95829270-T-C. GRCh37 (hg19) VCF-style: chr11-95562434-T-C.
Other names: c.1184T>C, p.Leu395Ser (NM_001243776.2); c.1133T>C, p.Leu378Ser (NM_001243777.2); c.1130T>C, p.Leu377Ser (NM_001363604.2); short protein forms L378S, L377S, L404S, L395S.
Identifiers: ClinVar variation 2492592 (VCV002492592.3), dbSNP rs2496337549, ClinGen allele CA382408871.
Genomic context (GRCh38, chr11:95,829,270, plus strand): 5'-TTATCCAGGAGTCGCCAACCGTTGAACTGAAAGACAAGTTGGAGTGTGAATTGGAGGCAT[T>C]AGTGGGAAGGATGGAAGCAAAAGCCAACCAAATAACTAAAGTTCGAAAATACCAAGCCCA-3'
Protein context (NP_055494.2, residues 394-414): KDKLECELEA[Leu404Ser]VGRMEAKANQ